The following is an entry in ClinVar:

ClinVar aggregate classification (germline): Conflicting classifications of pathogenicity. Review status: criteria provided, conflicting classifications (1 of 4 stars). 4 submissions from 4 submitters: Uncertain significance (3); Likely benign (1). Last evaluated 2025-07-23.

Conditions:
Intellectual developmental disorder, autosomal dominant 43. Also called: Intellectual disability, autosomal dominant 43. Identifiers: MedGen C4707429, MONDO:0014858, OMIM 616977.
Inborn genetic diseases. Identifiers: MedGen C0950123, MeSH D030342.

Allele frequency attached by ClinVar (database versions not stated): ExAC 0.00001; gnomAD 0.00001; gnomAD exomes below 0.00001.
gnomAD v4.1: 9 of 1,614,086 alleles (0.00056%); highest among the groups gnomAD compares: African/African-American, 0.0053%; 1 homozygote.

Submissions (4):

Labcorp Genetics (formerly Invitae), Labcorp
Classification: Uncertain significance. Last evaluated: 2025-07-23. Review status: criteria provided, single submitter. Criteria: Invitae Variant Classification Sherloc (09022015). Collection method: clinical testing. Allele origin: germline.
Comment: This sequence change replaces threonine, which is neutral and polar, with isoleucine, which is neutral and non-polar, at codon 719 of the HIVEP2 protein (p.Thr719Ile). This variant is present in population databases (rs780128851, gnomAD 0.0009%). This variant has not been reported in the literature in individuals affected with HIVEP2-related conditions. ClinVar contains an entry for this variant (Variation ID: 1031081). Invitae Evidence Modeling of protein sequence and biophysical properties (such as structural, functional, and spatial information, amino acid conservation, physicochemical variation, residue mobility, and thermodynamic stability) indicates that this missense variant is not expected to disrupt HIVEP2 protein function with a negative predictive value of 80%. In summary, the available evidence is currently insufficient to determine the role of this variant in disease. Therefore, it has been classified as a Variant of Uncertain Significance.

Ambry Genetics
Classification: Uncertain significance for Inborn genetic diseases. Last evaluated: 2025-05-28. Review status: criteria provided, single submitter. Criteria: Ambry Variant Classification Scheme 2023. Collection method: clinical testing. Allele origin: germline.

Institute of Human Genetics, FAU Erlangen, Friedrich-Alexander-Universität Erlangen-Nürnberg
Classification: Likely benign for Intellectual developmental disorder, autosomal dominant 43. Last evaluated: 2023-03-08. Review status: criteria provided, single submitter. Criteria: Hauer et al. (Genet Med. 2018). Collection method: clinical testing. Allele origin: germline. Inheritance: Autosomal dominant inheritance. Affected: yes. Observed: 2 variant alleles.
Comment: This variant has been identified by standard clinical testing.

Baylor Genetics
Classification: Uncertain significance for Intellectual developmental disorder, autosomal dominant 43. Last evaluated: 2019-02-22. Review status: criteria provided, single submitter. Criteria: ACMG Guidelines, 2015. Collection method: clinical testing. Allele origin: paternal. Affected: yes.
Comment: This variant was determined to be of uncertain significance according to ACMG Guidelines, 2015 [PMID:25741868].

NM_006734.4(HIVEP2):c.2156C>T (p.Thr719Ile)

Gene: HIVEP2 (HIVEP zinc finger 2; minus strand). Cytogenetic location: 6q24.2.
Variant type: single nucleotide variant.
Coding change: c.2156C>T on transcript NM_006734.4 (MANE Select); coding-DNA position 2156, C replaced by T.
Protein change: p.Thr719Ile; replaces threonine 719 with isoleucine.
Molecular consequence: missense variant.
Genome position (GRCh38, 1-based): chr6:142,772,583, G>A on the plus strand (C>T on the coding strand, the complement: HIVEP2 is on the minus strand). VCF-style: chr6-142772583-G-A. GRCh37 (hg19) VCF-style: chr6-143093720-G-A.
Other names: short protein forms T719I.
Identifiers: ClinVar variation 1031081 (VCV001031081.6), dbSNP rs780128851, ClinGen allele CA4028470.